The following is an entry in ClinVar:

ClinVar aggregate classification (germline): Uncertain significance. Review status: criteria provided, multiple submitters, no conflicts (2 of 4 stars). 3 submissions from 3 submitters: Uncertain significance (3). Last evaluated 2025-06-29.

Conditions:
Autosomal dominant limb-girdle muscular dystrophy type 1G (LGMDD3). Also called: Limb-girdle muscular dystrophy, type 1G; MUSCULAR DYSTROPHY, LIMB-GIRDLE, AUTOSOMAL DOMINANT 3. Identifiers: Orphanet 55596, MedGen C1836765, MONDO:0012193, OMIM 609115.

Allele frequency attached by ClinVar (database versions not stated): ExAC 0.00002; gnomAD exomes 0.00004 and 0.00005; TOPMed 0.00012; gnomAD 0.00014 and 0.00015.
gnomAD v4.1: 95 of 1,613,400 alleles (0.0059%); highest among the groups gnomAD compares: Admixed American, 0.037%; no homozygotes.

Submissions (3):

Labcorp Genetics (formerly Invitae), Labcorp
Classification: Uncertain significance for Autosomal dominant limb-girdle muscular dystrophy type 1G. Last evaluated: 2025-06-29. Review status: criteria provided, single submitter. Criteria: Invitae Variant Classification Sherloc (09022015). Collection method: clinical testing. Allele origin: germline.
Comment: This sequence change replaces glutamine, which is neutral and polar, with arginine, which is basic and polar, at codon 110 of the HNRNPDL protein (p.Gln110Arg). This variant is present in population databases (rs757117165, gnomAD 0.02%). This variant has not been reported in the literature in individuals affected with HNRNPDL-related conditions. ClinVar contains an entry for this variant (Variation ID: 661148). An algorithm developed to predict the effect of missense changes on protein structure and function (PolyPhen-2) suggests that this variant is likely to be tolerated. In summary, the available evidence is currently insufficient to determine the role of this variant in disease. Therefore, it has been classified as a Variant of Uncertain Significance.

Ambry Genetics
Classification: Uncertain significance. Last evaluated: 2023-12-11. Review status: criteria provided, single submitter. Criteria: Ambry Variant Classification Scheme 2023. Collection method: clinical testing. Allele origin: germline.

Fulgent Genetics
Classification: Uncertain significance for Autosomal dominant limb-girdle muscular dystrophy type 1G. Last evaluated: 2021-07-13. Review status: criteria provided, single submitter. Criteria: ACMG Guidelines, 2015. Collection method: clinical testing. Allele origin: unknown.

NM_031372.4(HNRNPDL):c.329A>G (p.Gln110Arg)

Gene: HNRNPDL (heterogeneous nuclear ribonucleoprotein D like; minus strand). Cytogenetic location: 4q21.22.
Variant type: single nucleotide variant.
Coding change: c.329A>G on transcript NM_031372.4 (MANE Select); coding-DNA position 329, A replaced by G.
Protein change: p.Gln110Arg; replaces glutamine 110 with arginine.
Molecular consequence: missense variant. On other transcripts: non-coding transcript variant (1).
Genome position (GRCh38, 1-based): chr4:82,429,362, T>C on the plus strand (A>G on the coding strand, the complement: HNRNPDL is on the minus strand). VCF-style: chr4-82429362-T-C. GRCh37 (hg19) VCF-style: chr4-83350515-T-C.
Other names: c.329A>G, p.Gln110Arg (NM_001207000.1); short protein forms Q110R.
Identifiers: ClinVar variation 661148 (VCV000661148.11), dbSNP rs757117165, ClinGen allele CA2985046.